The following is an entry in ClinVar:

ClinVar aggregate classification (germline): Uncertain significance (1 of 4 stars; one submission).

Submission:

Ambry Genetics
Classification: Uncertain significance. Last evaluated: 2025-07-03. Review status: criteria provided, single submitter. Criteria: Ambry Variant Classification Scheme 2023. Collection method: clinical testing. Allele origin: germline.
Comment: The p.T946S variant (also known as c.2836A>T), located in coding exon 16 of the PKP4 gene, results from an A to T substitution at nucleotide position 2836. The threonine at codon 946 is replaced by serine, an amino acid with similar properties. This amino acid position is conserved. In addition, this alteration is predicted to be tolerated by in silico analysis. Based on the available evidence, the clinical significance of this variant remains unclear.

NM_003628.6(PKP4):c.2836A>T (p.Thr946Ser)

Genes: PKP4 (plakophilin 4; plus strand), PKP4-AS1 (PKP4 antisense RNA 1; minus strand). Cytogenetic location: 2q24.1.
Variant type: single nucleotide variant.
Coding change: c.2836A>T on transcript NM_003628.6 (MANE Select); coding-DNA position 2836, A replaced by T.
Protein change: p.Thr946Ser; replaces threonine 946 with serine.
Molecular consequence: missense variant.
Genome position (GRCh38, 1-based): chr2:158,669,827, A>T. VCF-style: chr2-158669827-A-T. GRCh37 (hg19) VCF-style: chr2-159526339-A-T.
Other names: c.2836A>T, p.Thr946Ser (NM_001005476.4, NM_001377218.1, NM_001377225.1); c.2833A>T, p.Thr945Ser (NM_001304969.3, NM_001377219.1, NM_001377220.1 and 2 more transcripts); c.1807A>T, p.Thr603Ser (NM_001304970.3); c.2830A>T, p.Thr944Ser (NM_001377222.1, NM_001377223.1); c.2827A>T, p.Thr943Ser (NM_001377224.1); short protein forms T603S, T943S, T945S, T946S, T944S.
Identifiers: ClinVar variation 4138149 (VCV004138149.1).